The following is an entry in ClinVar:

ClinVar aggregate classification (germline): Uncertain significance (1 of 4 stars; one submission).

Allele frequency attached by ClinVar (database versions not stated): ExAC 0.00002.
gnomAD v4.1: 2 of 1,614,042 alleles (0.00012%); highest among the groups gnomAD compares: Admixed American, 0.0017%; no homozygotes.

Submission:

GeneDx
Classification: Uncertain significance. Last evaluated: 2019-08-13. Review status: criteria provided, single submitter. Criteria: GeneDx Variant Classification Process June 2021. Collection method: clinical testing. Allele origin: germline. Affected: yes.
Comment: Not observed at a significant frequency in large population cohorts (Lek et al., 2016); In silico analysis, which includes protein predictors and evolutionary conservation, supports that this variant does not alter protein structure/function; Has not been previously published as pathogenic or benign to our knowledge

NM_003383.5(VLDLR):c.2204C>G (p.Ser735Cys)

Gene: VLDLR (very low density lipoprotein receptor; plus strand). Cytogenetic location: 9p24.2.
Variant type: single nucleotide variant.
Coding change: c.2204C>G on transcript NM_003383.5 (MANE Select); coding-DNA position 2204, C replaced by G.
Protein change: p.Ser735Cys; replaces serine 735 with cysteine.
Molecular consequence: missense variant.
Genome position (GRCh38, 1-based): chr9:2,650,469, C>G. VCF-style: chr9-2650469-C-G. GRCh37 (hg19) VCF-style: chr9-2650469-C-G.
Other names: c.2204C>G, p.Ser735Cys (NM_001018056.3); c.2081C>G, p.Ser694Cys (NM_001322225.2, NM_001322226.2); short protein forms S694C, S735C.
Identifiers: ClinVar variation 1307623 (VCV001307623.2), dbSNP rs745998932, ClinGen allele CA4965096.